The following is an entry in ClinVar:

NM_001377265.1(MAPT):c.2319C>T (p.Asn773=)

Gene: MAPT (microtubule associated protein tau). Cytogenetic location: 17q21.31.
Variant type: single nucleotide variant.
Coding change: c.2319C>T on transcript NM_001377265.1 (MANE Select); coding-DNA position 2319, C replaced by T.
Protein change: p.Asn773=; no amino-acid change (asparagine 773 retained).
Molecular consequence: synonymous variant. On other transcripts: non-coding transcript variant (1), intron variant (1).
Genome position (GRCh38, 1-based): chr17:46,023,988, C>T. VCF-style: chr17-46023988-C-T. GRCh37 (hg19) VCF-style: chr17-44101354-C-T.
Other names: c.2148C>T, p.Asn716= (NM_001123066.4); c.1056C>T, p.Asn352= (NM_001123067.4); c.963C>T, p.Asn321= (NM_001203251.2); c.1050C>T, p.Asn350= (NM_001203252.2); c.2028C>T, p.Asn676= (NM_001377266.1); c.876C>T, p.Asn292= (NM_001377268.1, NM_016841.5); c.1143C>T, p.Asn381= (NM_005910.6); c.969C>T, p.Asn323= (NM_016834.5); and 2 more.
Identifiers: ClinVar variation 889079 (VCV000889079.14), dbSNP rs746312281, ClinGen allele CA8618249.
Genomic context (GRCh38, chr17:46,023,988, plus strand): 5'-CACCCTCCCTCCCTTCCTCTTCTTGCAGATTGAAACCCACAAGCTGACCTTCCGCGAGAA[C>T]GCCAAAGCCAAGACAGACCACGGGGCGGAGATCGTGTACAAGTCGCCAGTGGTGTCTGGG-3'
Protein context (NP_001364194.1, residues 763-783): IETHKLTFRE[Asn773=]AKAKTDHGAE

ClinVar aggregate classification (germline): Conflicting classifications of pathogenicity. Review status: criteria provided, conflicting classifications (1 of 4 stars). 3 submissions from 3 submitters: Uncertain significance (1); Likely benign (2). Last evaluated 2025-03-01.

Conditions:
MAPT-Related Spectrum Disorders.
Frontotemporal dementia (FTD1). Also called: Frontotemporal Dementia with Parkinsonism-17 (FTDP-17); MULTIPLE SYSTEM TAUOPATHY WITH PRESENILE DEMENTIA; Frontotemporal lobe dementia (FLDEM); WILHELMSEN-LYNCH DISEASE; Dementia, frontotemporal, with or without parkinsonism; FRONTOTEMPORAL LOBAR DEGENERATION WITH TAU INCLUSIONS. Identifiers: Orphanet 282, MedGen C0338451, MONDO:0017276, OMIM 600274, HP:0002145.

Allele frequency attached by ClinVar (database versions not stated): gnomAD exomes 0.00002 and 0.00003; ExAC 0.00003; gnomAD 0.00004; TOPMed 0.00006.
gnomAD v4.1: 56 of 1,614,068 alleles (0.0035%); highest among the groups gnomAD compares: African/African-American, 0.004%; no homozygotes.

Submissions (3):

CeGaT Center for Human Genetics Tuebingen
Classification: Likely benign. Last evaluated: 2025-03-01. Review status: criteria provided, single submitter. Criteria: CeGaT Center For Human Genetics Tuebingen Variant Classification Criteria Version 2. Collection method: clinical testing. Allele origin: germline. Affected: yes. Observed: 1 variant allele.
Comment: MAPT: BP4, BP7

Labcorp Genetics (formerly Invitae), Labcorp
Classification: Likely benign for Frontotemporal dementia. Last evaluated: 2024-07-27. Review status: criteria provided, single submitter. Criteria: Invitae Variant Classification Sherloc (09022015). Collection method: clinical testing. Allele origin: germline.

Illumina Laboratory Services, Illumina
Classification: Uncertain significance for MAPT-Related Spectrum Disorders. Last evaluated: 2018-01-13. Review status: criteria provided, single submitter. Criteria: ICSL Variant Classification Criteria 13 December 2019. Collection method: clinical testing. Allele origin: germline.